The following is an entry in ClinVar:

NM_144999.4(LRRC45):c.1219C>T (p.Arg407Trp)

Gene: LRRC45 (leucine rich repeat containing 45; plus strand). Cytogenetic location: 17q25.3.
Variant type: single nucleotide variant.
Coding change: c.1219C>T on transcript NM_144999.4 (MANE Select); coding-DNA position 1219, C replaced by T.
Protein change: p.Arg407Trp; replaces arginine 407 with tryptophan.
Molecular consequence: missense variant.
Genome position (GRCh38, 1-based): chr17:82,028,490, C>T. VCF-style: chr17-82028490-C-T. GRCh37 (hg19) VCF-style: chr17-79986366-C-T.
Other names: c.1219C>T (NM_144999.3); short protein forms R407W.
Identifiers: ClinVar variation 4100467 (VCV004100467.2).
Genomic context (GRCh38, chr17:82,028,490, plus strand): 5'-CAGGAGCAGCTGTTCCAGACCAGGCAGGAGATGACCAGCATGTCAGCTGAGCTGAAGATG[C>T]GGGCCATCCAGGCCGAGGGTGGGCACGGGCAGGCCTGCTGTGGAGGGGCCTGGGGATGGG-3'
Protein context (NP_659436.1, residues 397-417): MTSMSAELKM[Arg407Trp]AIQAEERLDM

ClinVar aggregate classification (germline): Uncertain significance. Review status: criteria provided, multiple submitters, no conflicts (2 of 4 stars). 2 submissions from 2 submitters: Uncertain significance (2). Last evaluated 2026-09-21.

Conditions:
LRRC45-related disorder. Also called: LRRC45-related condition.

Submissions (2):

PreventionGenetics, part of Exact Sciences
Classification: Uncertain significance for LRRC45-related condition. Last evaluated: 2026-09-21. Review status: criteria provided, single submitter. Criteria: ACMG Guidelines, 2015. Collection method: clinical testing. Allele origin: germline.
Comment: The LRRC45 c.1219C>T variant is predicted to result in the amino acid substitution p.Arg407Trp. To our knowledge, this variant has not been reported in the literature. This variant is reported in 0.0071% of alleles in individuals of European (Non-Finnish) descent in gnomAD. At this time, the clinical significance of this variant is uncertain due to the absence of conclusive functional and genetic evidence.

Ambry Genetics
Classification: Uncertain significance. Last evaluated: 2025-08-23. Review status: criteria provided, single submitter. Criteria: Ambry Variant Classification Scheme 2023. Collection method: clinical testing. Allele origin: germline.